The following is an entry in ClinVar:

ClinVar aggregate classification (germline): Likely pathogenic (1 of 4 stars; one submission).

Conditions:
Congenital hyperammonemia, type I. Also called: Carbamoyl phosphate synthetase 1 deficiency; Hyperammonemia due to carbamoyl phosphate synthetase 1 deficiency; CPS 1 deficiency; Carbamyl phosphate synthetase (CPS) deficiency; CPS I DEFICIENCY; Carbamoyl phosphate synthetase I deficiency disease. Identifiers: Orphanet 147, MedGen C4082171, MONDO:0009376, OMIM 237300.

Submission:

Dubai Health Genomic Medicine Center, Dubai Health
Classification: Likely pathogenic for Carbamoylphosphate synthetase I deficiency. Last evaluated: 2024-10-04. Review status: criteria provided, single submitter. Criteria: ACMG Guidelines, 2015. Collection method: research. Allele origin: germline. Affected: yes.
Comment: PVS1,PM2

NM_001875.5(CPS1):c.1590dup (p.Val531fs)

Gene: CPS1 (carbamoyl-phosphate synthase 1; plus strand). Cytogenetic location: 2q34.
Variant type: Duplication.
Coding change: c.1590dup on transcript NM_001875.5 (MANE Select); coding-DNA position 1590, one base duplicated (T; older notation c.1590dupT).
Protein change: p.Val531fs; shifts the reading frame from valine 531.
Molecular consequence: frameshift variant. On other transcripts: non-coding transcript variant (2).
Genome position (GRCh38, 1-based): chr2:210,600,595, T duplicated. VCF-style (leftmost placement, unchanged base first): chr2-210600594-G-GT. GRCh37 (hg19) VCF-style: chr2-211465318-G-GT.
Other names: c.1590dup, p.Val531fs (NM_001122633.3, NM_001369257.1); c.1623dup, p.Val542fs (NM_001369256.1); short protein forms V531fs, V542fs.
Identifiers: ClinVar variation 3384053 (VCV003384053.1).